The following is an entry in ClinVar:

NM_004239.4(TRIP11):c.81dup (p.Gly28fs)

Gene: TRIP11 (thyroid hormone receptor interactor 11; minus strand). Cytogenetic location: 14q32.12.
Variant type: Duplication.
Coding change: c.81dup on transcript NM_004239.4 (MANE Select); coding-DNA position 81, one base duplicated (T; older notation c.81dupT).
Protein change: p.Gly28fs; shifts the reading frame from glycine 28.
Molecular consequence: frameshift variant.
Genome position (GRCh38, 1-based): chr14:92,039,605, A duplicated on the plus strand (T on the coding strand, the reverse complement: TRIP11 is on the minus strand). VCF-style (leftmost placement, unchanged base first): chr14-92039604-C-CA. GRCh37 (hg19) VCF-style: chr14-92505948-C-CA.
Other names: c.81dup, p.Gly28fs (NM_001321851.1); short protein forms G28fs.
Identifiers: ClinVar variation 968837 (VCV000968837.6), dbSNP rs779038293, ClinGen allele CA7314307.

ClinVar aggregate classification (germline): Pathogenic (1 of 4 stars; one submission).

Conditions:
Achondrogenesis, type IA (ACG1A). Identifiers: Orphanet 932, Orphanet 93299, MedGen C0265273, MONDO:0008701, OMIM 200600.

Allele frequency attached by ClinVar (database versions not stated): ExAC 0.00001; gnomAD exomes 0.00001; gnomAD 0.00002; TOPMed 0.00002; ESP Exome Variant Server 0.00008.

Submission:

Labcorp Genetics (formerly Invitae), Labcorp
Classification: Pathogenic for Achondrogenesis, type IA. Last evaluated: 2025-07-09. Review status: criteria provided, single submitter. Criteria: Invitae Variant Classification Sherloc (09022015). Collection method: clinical testing. Allele origin: germline.
Comment: This sequence change creates a premature translational stop signal (p.Gly28Trpfs*24) in the TRIP11 gene. It is expected to result in an absent or disrupted protein product. Loss-of-function variants in TRIP11 are known to be pathogenic (PMID: 20089971, 23956106). This variant is present in population databases (rs779038293, gnomAD 0.0009%). This variant has not been reported in the literature in individuals affected with TRIP11-related conditions. ClinVar contains an entry for this variant (Variation ID: 968837). For these reasons, this variant has been classified as Pathogenic.

Literature cited by the submitters: PubMed 20089971; PubMed 23956106.